The following is an entry in ClinVar:

NM_004260.4(RECQL4):c.293_294delinsAA (p.Arg98Gln)

Gene: RECQL4 (RecQ like helicase 4; minus strand). Cytogenetic location: 8q24.3.
Variant type: Indel.
Coding change: c.293_294delinsAA on transcript NM_004260.4 (MANE Select); coding-DNA positions 293 to 294, GC replaced by AA.
Protein change: p.Arg98Gln; replaces arginine 98 with glutamine.
Molecular consequence: missense variant. On other transcripts: 5 prime UTR variant (17), non-coding transcript variant (3).
Genome position (GRCh38, 1-based): chr8:144,517,110-144,517,111, GC replaced by TT on the plus strand (GC replaced by AA on the coding strand, the reverse complement: RECQL4 is on the minus strand). VCF-style: chr8-144517110-GC-TT. GRCh37 (hg19) VCF-style: chr8-145742494-GC-TT.
Other names: c.293_294delinsAA, p.Arg98Gln (NM_001413017.1, NM_001413018.1, NM_001413019.1 and 5 more transcripts); c.-428_-427delinsAA (NM_001413021.1); c.-779_-778delinsAA (NM_001413022.1, NM_001413037.1, NM_001413038.1 and 3 more transcripts); c.-841_-840delinsAA (NM_001413041.1, NM_001413027.1, NM_001413030.1 and 1 more transcripts); c.-1048_-1047delinsAA (NM_001413043.1); c.-676_-675delinsAA (NM_001413024.1, NM_001413035.1); c.164_165delinsAA, p.Arg55Gln (NM_001413025.1); c.-504_-503delinsAA (NM_001413028.1); and 2 more; short protein forms R98Q, R55Q.
Identifiers: ClinVar variation 2885314 (VCV002885314.3), dbSNP rs2538111393, ClinGen allele CA2739269107.
Genomic context (GRCh38, chr8:144,517,110, plus strand): 5'-CTGCAGGGTGCCTTTCAGATTGGCCTTGAGCCGCTGCCCGTAGTCCGGCACCGAGCCCTG[GC>TT]GGCTCCGCCCTGGCGTAGACTGTGGACTCTTGGTCGCAGCCCGATTCAGATGGGGCCCCC-3'
Protein context (NP_004251.4, residues 88-108): KSPQSTPGRS[Arg98Gln]QGSVPDYGQR

ClinVar aggregate classification (germline): Uncertain significance (1 of 4 stars; one submission).

Conditions:
Baller-Gerold syndrome (BGS). Also called: CRANIOSYNOSTOSIS WITH RADIAL DEFECTS. Identifiers: Orphanet 1225, MedGen C0265308, MONDO:0009039, OMIM 218600.

Submission:

Labcorp Genetics (formerly Invitae), Labcorp
Classification: Uncertain significance for Baller-Gerold syndrome. Last evaluated: 2023-10-13. Review status: criteria provided, single submitter. Criteria: Invitae Variant Classification Sherloc (09022015). Collection method: clinical testing. Allele origin: germline.
Comment: This sequence change replaces arginine, which is basic and polar, with glutamine, which is neutral and polar, at codon 98 of the RECQL4 protein (p.Arg98Gln). Information on the frequency of this variant in the gnomAD database is not available, as this variant may be reported differently in the database. This variant has not been reported in the literature in individuals affected with RECQL4-related conditions. Experimental studies and prediction algorithms are not available or were not evaluated, and the functional significance of this variant is currently unknown. In summary, the available evidence is currently insufficient to determine the role of this variant in disease. Therefore, it has been classified as a Variant of Uncertain Significance.